The following is an entry in ClinVar:

ClinVar aggregate classification (germline): Pathogenic. Review status: criteria provided, multiple submitters, no conflicts (2 of 4 stars). 3 submissions from 3 submitters: Pathogenic (3). Last evaluated 2026-07-13.

Conditions:
Cardiovascular phenotype. Identifiers: MedGen CN230736.
Hereditary cancer-predisposing syndrome. Also called: Hereditary neoplastic syndrome; Hereditary Cancer Syndrome; Neoplastic Syndromes, Hereditary; Tumor predisposition. Identifiers: Orphanet 140162, MedGen C0027672, MeSH D009386, MONDO:0015356.
LZTR1-related disorder. Also called: LZTR1-related disorders; LZTR1-related condition.

Submissions (3):

Ambry Genetics
Classification: Pathogenic for Cardiovascular phenotype; Hereditary cancer-predisposing syndrome. Last evaluated: 2026-07-13. Review status: criteria provided, single submitter. Criteria: Ambry Variant Classification Scheme 2023. Collection method: clinical testing. Allele origin: germline.
Comment: The c.739delA pathogenic mutation, located in coding exon 8 of the LZTR1 gene, results from a deletion of one nucleotide at nucleotide position 739, causing a translational frameshift with a predicted alternate stop codon (p.S247Afs*5). This variant is considered to be rare based on population cohorts in the Genome Aggregation Database (gnomAD). This alteration is expected to result in loss of function by premature protein truncation or nonsense-mediated mRNA decay. Loss-of-function variants in LZTR1 are related to an increased risk for schwannomas and autosomal recessive Noonan syndrome; however, such associations with autosomal dominant Noonan syndrome have not been observed (Piotrowski A et al. Nat Genet. 2014 Feb;46:182-7; Yamamoto GL et al. J Med Genet. 2015 Jun;52:413-21; Johnston JJ et al. Genet Med. 2018 10;20:1175-1185). Based on the supporting evidence, this variant is pathogenic for an increased risk of LZTR1-related schwannomatosis (SWN) and would be expected to cause autosomal recessive Noonan syndrome when present along with a second pathogenic or likely pathogenic variant on the other allele; however, the association of this variant with autosomal dominant Noonan syndrome is unlikely.

Labcorp Genetics (formerly Invitae), Labcorp
Classification: Pathogenic. Last evaluated: 2025-12-21. Review status: criteria provided, single submitter. Criteria: Invitae Variant Classification Sherloc (09022015). Collection method: clinical testing. Allele origin: germline.
Comment: This sequence change creates a premature translational stop signal (p.Ser247Alafs*5) in the LZTR1 gene. It is expected to result in an absent or disrupted protein product. Loss-of-function variants in LZTR1 are known to be pathogenic (PMID: 24362817, 25335493, 25480913, 25795793, 29469822, 30368668, 30442762, 30442766, 30481304, 30859559). This variant is not present in population databases (gnomAD no frequency). This variant has not been reported in the literature in individuals affected with LZTR1-related conditions. ClinVar contains an entry for this variant (Variation ID: 2629188). For these reasons, this variant has been classified as Pathogenic.

PreventionGenetics, part of Exact Sciences
Classification: Pathogenic for LZTR1-related condition. Last evaluated: 2024-12-17. Review status: criteria provided, single submitter. Criteria: ACMG Guidelines, 2015. Collection method: clinical testing. Allele origin: germline.
Comment: The LZTR1 c.739delA variant is predicted to result in a frameshift and premature protein termination (p.Ser247Alafs*5). This variant was reported in an individual with unknown phenotype (Placeholder for). This variant has not been reported in a large population database (gnomAD), indicating this variant is rare. Frameshift variants in LZTR1 are expected to be pathogenic. This variant is interpreted as pathogenic for autosomal recessive Noonan syndrome and autosomal dominant susceptibility to schwannomatosis. However, this variant is interpreted as uncertain for autosomal dominant Noonan syndrome.

Literature cited by the submitters: PubMed 24362817 (cited by Labcorp Genetics (formerly Invitae), Labcorp); PubMed 25335493 (cited by Labcorp Genetics (formerly Invitae), Labcorp); PubMed 25480913 (cited by Labcorp Genetics (formerly Invitae), Labcorp); PubMed 25795793 (cited by Labcorp Genetics (formerly Invitae), Labcorp); PubMed 29469822 (cited by Labcorp Genetics (formerly Invitae), Labcorp); PubMed 30368668 (cited by Labcorp Genetics (formerly Invitae), Labcorp); PubMed 30442762 (cited by Labcorp Genetics (formerly Invitae), Labcorp); PubMed 30442766 (cited by Labcorp Genetics (formerly Invitae), Labcorp); PubMed 30481304 (cited by Labcorp Genetics (formerly Invitae), Labcorp); PubMed 30859559 (cited by Labcorp Genetics (formerly Invitae), Labcorp).

NM_006767.4(LZTR1):c.739del (p.Ser247fs)

Gene: LZTR1 (leucine zipper like post translational regulator 1; plus strand). Cytogenetic location: 22q11.21.
Variant type: Deletion.
Coding change: c.739del on transcript NM_006767.4 (MANE Select); coding-DNA position 739, one base deleted (A; older notation c.739delA).
Protein change: p.Ser247fs; shifts the reading frame from serine 247.
Molecular consequence: frameshift variant.
Genome position (GRCh38, 1-based): chr22:20,990,473, A deleted; the last of 3 consecutive A bases (chr22:20,990,471-20,990,473); deleting any one gives the same sequence. VCF-style (leftmost placement, unchanged base first): chr22-20990470-CA-C. GRCh37 (hg19) VCF-style: chr22-21344759-CA-C.
Other names: short protein forms S247fs.
Identifiers: ClinVar variation 2629188 (VCV002629188.4), dbSNP rs1163650910, ClinGen allele CA751579853.
Genomic context (GRCh38, chr22:20,990,470, plus strand): 5'-CCATCTTGCTGCAACTTCCCCGTGGCTGTGTGCCGGGACAAGATGTTTGTATTCTCTGGG[CA>C]AAGCGGAGCCAAAATAACCAACAACCTCTTCCAGTTTGAATTCAAGGACAAGACGTGAGT-3'